The following is an entry in ClinVar:

ClinVar aggregate classification (germline): Pathogenic/Likely pathogenic. Review status: criteria provided, multiple submitters, no conflicts (2 of 4 stars). 4 submissions from 4 submitters: Pathogenic (2); Likely pathogenic (2). Last evaluated 2025-12-03.

Conditions:
Ataxia-telangiectasia-like disorder (ATLD). Identifiers: MedGen C1858391, MONDO:0011457.
Hereditary cancer-predisposing syndrome. Also called: Neoplastic Syndromes, Hereditary; Tumor predisposition; Hereditary Cancer Syndrome; Hereditary neoplastic syndrome. Identifiers: Orphanet 140162, MedGen C0027672, MeSH D009386, MONDO:0015356.
Ataxia-telangiectasia-like disorder 1 (ATLD1). Identifiers: Orphanet 251347, MedGen C4012790, MONDO:0024557, OMIM 604391.

Submissions (4):

Labcorp Genetics (formerly Invitae), Labcorp
Classification: Pathogenic for Ataxia-telangiectasia-like disorder. Last evaluated: 2025-12-03. Review status: criteria provided, single submitter. Criteria: Invitae Variant Classification Sherloc (09022015). Collection method: clinical testing. Allele origin: germline.
Comment: This sequence change creates a premature translational stop signal (p.Val99Thrfs*10) in the MRE11 gene. It is expected to result in an absent or disrupted protein product. Loss-of-function variants in MRE11 are known to be pathogenic (PMID: 23080121, 23912341). This variant is not present in population databases (gnomAD no frequency). This variant has not been reported in the literature in individuals affected with MRE11-related conditions. ClinVar contains an entry for this variant (Variation ID: 481758). For these reasons, this variant has been classified as Pathogenic.

Baylor Genetics
Classification: Likely pathogenic for Ataxia-telangiectasia-like disorder 1. Last evaluated: 2024-01-23. Review status: criteria provided, single submitter. Criteria: ACMG Guidelines, 2015. Collection method: clinical testing. Allele origin: unknown.

Athena Diagnostics
Classification: Likely pathogenic. Last evaluated: 2019-12-10. Review status: criteria provided, single submitter. Criteria: Athena Diagnostics Criteria. Collection method: clinical testing. Allele origin: unknown.
Comment: The variant results in a shift of the reading frame, and is therefore predicted to result in the loss of a functional protein. Not found in the total gnomAD dataset, and the data is high quality.

Ambry Genetics
Classification: Pathogenic for Hereditary cancer-predisposing syndrome. Last evaluated: 2019-09-17. Review status: criteria provided, single submitter. Criteria: Ambry Variant Classification Scheme 2023. Collection method: clinical testing. Allele origin: germline.
Comment: The c.295_298delGTCA pathogenic mutation, located in coding exon 3 of the MRE11A gene, results from a deletion of 4 nucleotides at nucleotide positions 295 to 298, causing a translational frameshift with a predicted alternate stop codon (p.V99Tfs*10). This alteration is expected to result in loss of function by premature protein truncation or nonsense-mediated mRNA decay. As such, this alteration is interpreted as a disease-causing mutation.

Literature cited by the submitters: PubMed 23080121 (cited by Labcorp Genetics (formerly Invitae), Labcorp); PubMed 23912341 (cited by Labcorp Genetics (formerly Invitae), Labcorp).

NM_005591.4(MRE11):c.295_298del (p.Val99fs)

Gene: MRE11 (MRE11 double strand break repair nuclease; minus strand). Cytogenetic location: 11q21.
Variant type: Microsatellite.
Coding change: c.295_298del on transcript NM_005591.4 (MANE Select); coding-DNA positions 295 to 298, 4 bases deleted (GTCA; older notation c.295_298delGTCA).
Protein change: p.Val99fs; shifts the reading frame from valine 99.
Molecular consequence: frameshift variant.
Genome position (GRCh38, 1-based): chr11:94,485,940-94,485,943, TGAC deleted on the plus strand (GTCA on the coding strand, the reverse complement: MRE11 is on the minus strand); deleting any 4 consecutive bases within chr11:94,485,940-94,485,950 gives the same sequence; the c. name uses the placement nearest the transcript's 3' end. VCF-style (leftmost placement, unchanged base first): chr11-94485939-TTGAC-T. GRCh37 (hg19) VCF-style: chr11-94219105-TTGAC-T.
Other names: c.295_298del, p.Val99fs (NM_001330347.2, NM_005590.4); c.295_298delGTCA (NM_005591.3); short protein forms V99fs.
Identifiers: ClinVar variation 481758 (VCV000481758.13), dbSNP rs1555017184, ClinGen allele CA658658089.